The following is an entry in ClinVar:

ClinVar aggregate classification (germline): Uncertain significance. Review status: criteria provided, multiple submitters, no conflicts (2 of 4 stars). 2 submissions from 2 submitters: Uncertain significance (2). Last evaluated 2025-06-07.

Conditions:
Epileptic encephalopathy. Identifiers: MedGen C0543888, HP:0200134.

Submissions (2):

Ambry Genetics
Classification: Uncertain significance. Last evaluated: 2025-06-07. Review status: criteria provided, single submitter. Criteria: Ambry Variant Classification Scheme 2023. Collection method: clinical testing. Allele origin: germline.

Labcorp Genetics (formerly Invitae), Labcorp
Classification: Uncertain significance for Epileptic encephalopathy. Last evaluated: 2024-12-07. Review status: criteria provided, single submitter. Criteria: Invitae Variant Classification Sherloc (09022015). Collection method: clinical testing. Allele origin: germline.
Comment: This sequence change replaces leucine, which is neutral and non-polar, with methionine, which is neutral and non-polar, at codon 1501 of the FASN protein (p.Leu1501Met). This variant is present in population databases (rs753873358, gnomAD 0.006%). This variant has not been reported in the literature in individuals affected with FASN-related conditions. An algorithm developed to predict the effect of missense changes on protein structure and function (PolyPhen-2) suggests that this variant is likely to be disruptive. In summary, the available evidence is currently insufficient to determine the role of this variant in disease. Therefore, it has been classified as a Variant of Uncertain Significance.

NM_004104.5(FASN):c.4501C>A (p.Leu1501Met)

Gene: FASN (fatty acid synthase; minus strand). Cytogenetic location: 17q25.3.
Variant type: single nucleotide variant.
Coding change: c.4501C>A on transcript NM_004104.5 (MANE Select); coding-DNA position 4501, C replaced by A.
Protein change: p.Leu1501Met; replaces leucine 1501 with methionine.
Molecular consequence: missense variant.
Genome position (GRCh38, 1-based): chr17:82,084,862, G>T on the plus strand (C>A on the coding strand, the complement: FASN is on the minus strand). VCF-style: chr17-82084862-G-T. GRCh37 (hg19) VCF-style: chr17-80042738-G-T.
Other names: c.4501C>A (NM_004104.4); short protein forms L1501M.
Identifiers: ClinVar variation 3705345 (VCV003705345.3).